The following is an entry in ClinVar:

ClinVar aggregate classification (germline): Likely pathogenic (1 of 4 stars; one submission).

Allele frequency attached by ClinVar (database versions not stated): gnomAD exomes below 0.00001.
gnomAD v4.1: 1 of 1,614,146 alleles (0.000062%); highest among the groups gnomAD compares: Non-Finnish European, 0.000085%; no homozygotes.

Submission:

Labcorp Genetics (formerly Invitae), Labcorp
Classification: Likely pathogenic. Last evaluated: 2022-07-21. Review status: criteria provided, single submitter. Criteria: Invitae Variant Classification Sherloc (09022015). Collection method: clinical testing. Allele origin: germline.
Comment: In summary, the currently available evidence indicates that the variant is pathogenic, but additional data are needed to prove that conclusively. Therefore, this variant has been classified as Likely Pathogenic. Algorithms developed to predict the effect of sequence changes on RNA splicing suggest that this variant may disrupt the consensus splice site. Disruption of this splice site has been observed in individual(s) with steroid-resistant nephrotic syndrome (PMID: 25349199). This variant is not present in population databases (gnomAD no frequency). This sequence change affects an acceptor splice site in intron 5 of the NPHS2 gene. It is expected to disrupt RNA splicing. Variants that disrupt the donor or acceptor splice site typically lead to a loss of protein function (PMID: 16199547), and loss-of-function variants in NPHS2 are known to be pathogenic (PMID: 10742096, 14701729, 15253708, 23595123).

Literature cited by the submitters: PubMed 25349199; PubMed 16199547; PubMed 10742096; PubMed 14701729; PubMed 15253708; PubMed 23595123.

NM_014625.4(NPHS2):c.739-1G>C

Genes: NPHS2 (NPHS2 stomatin family member, podocin; minus strand), AXDND1 (axonemal dynein light chain domain containing 1; plus strand). Cytogenetic location: 1q25.2.
Variant type: single nucleotide variant.
Coding change: c.739-1G>C on transcript NM_014625.4 (MANE Select); the canonical splice acceptor site of the intron before coding-DNA position 739, G replaced by C.
Molecular consequence: splice acceptor variant. On other transcripts: 3 prime UTR variant (1), non-coding transcript variant (1).
Genome position (GRCh38, 1-based): chr1:179,554,532, C>G on the plus strand (G>C on the coding strand, the complement: NPHS2 is on the minus strand). VCF-style: chr1-179554532-C-G. GRCh37 (hg19) VCF-style: chr1-179523667-C-G.
Other names: c.*13C>G (NM_144696.6); c.535-1G>C (NM_001297575.2).
Identifiers: ClinVar variation 2018485 (VCV002018485.4), dbSNP rs2526247353, ClinGen allele CA343566535.